The following is an entry in ClinVar:

ClinVar aggregate classification (germline): Benign/Likely benign. Review status: criteria provided, multiple submitters, no conflicts (2 of 4 stars). 8 submissions from 8 submitters: Benign (7); Likely benign (1). Last evaluated 2026-02-02.

Conditions:
Ehlers-Danlos syndrome (EDS). Identifiers: Orphanet 98249, MedGen C0013720, MONDO:0020066.
Brittle cornea syndrome 1 (BCS1). Also called: CORNEAL FRAGILITY, KERATOGLOBUS, BLUE SCLERAE, JOINT HYPEREXTENSIBILITY; EDS6B; FRAGILITAS OCULI WITH JOINT HYPEREXTENSIBILITY; Corneal fragility keratoglobus, blue sclerae AND joint hypermobility; DYSGENESIS MESODERMALIS CORNEAE ET SCLERAE. Identifiers: Orphanet 90354, MedGen C0268344, MONDO:0024543, OMIM 229200.
Cardiovascular phenotype. Identifiers: MedGen CN230736.

Allele frequency attached by ClinVar (database versions not stated): gnomAD exomes 0.00058 and 0.00273; gnomAD 0.00085 and 0.00116; ExAC 0.00131; TOPMed 0.00154; 1000 Genomes Project 0.00599; 1000 Genomes Project 30x 0.00609.
gnomAD v4.1: 1,111 of 1,548,202 alleles (0.072%); highest among the groups gnomAD compares: East Asian, 2.1%; 19 homozygotes.

Submissions (8):

Labcorp Genetics (formerly Invitae), Labcorp
Classification: Benign. Last evaluated: 2026-02-02. Review status: criteria provided, single submitter. Criteria: Invitae Variant Classification Sherloc (09022015). Collection method: clinical testing. Allele origin: germline.

Mayo Clinic Laboratories, Mayo Clinic
Classification: Benign. Last evaluated: 2023-10-03. Review status: criteria provided, single submitter. Criteria: ACMG Guidelines, 2015. Collection method: clinical testing. Allele origin: germline. Observed: 3 variant alleles.
Comment: BA1, BS2, BP4

Women's Health and Genetics/Laboratory Corporation of America, LabCorp
Classification: Likely benign. Last evaluated: 2022-05-03. Review status: criteria provided, single submitter. Criteria: LabCorp Variant Classification Summary - May 2015. Collection method: clinical testing. Allele origin: germline.

Genome-Nilou Lab
Classification: Benign for Brittle cornea syndrome 1. Last evaluated: 2021-12-05. Review status: criteria provided, single submitter. Criteria: ACMG Guidelines, 2015. Collection method: clinical testing. Allele origin: germline. Affected: no.

Ambry Genetics
Classification: Benign for Cardiovascular phenotype. Last evaluated: 2019-03-21. Review status: criteria provided, single submitter. Criteria: Ambry Variant Classification Scheme 2023. Collection method: clinical testing. Allele origin: germline.

Genome Diagnostics Laboratory, The Hospital for Sick Children
Classification: Benign for Ehlers-Danlos syndrome. Last evaluated: 2018-12-01. Review status: criteria provided, single submitter. Criteria: ACMG Guidelines, 2015. Collection method: clinical testing. Allele origin: germline.

GeneDx
Classification: Benign. Last evaluated: 2017-02-27. Review status: criteria provided, single submitter. Criteria: GeneDx Variant Classification (06012015). Collection method: clinical testing. Allele origin: germline. Affected: yes.
Comment: This variant is considered likely benign or benign based on one or more of the following criteria: it is a conservative change, it occurs at a poorly conserved position in the protein, it is predicted to be benign by multiple in silico algorithms, and/or has population frequency not consistent with disease.

Eurofins Ntd Llc (ga)
Classification: Benign. Last evaluated: 2015-11-10. Review status: criteria provided, single submitter. Criteria: EGL Classification Definitions 2015. Collection method: clinical testing. Allele origin: germline. Observed: 1 variant allele, 1 heterozygote.

Literature cited by the submitters: PubMed 25097247 (cited by Mayo Clinic Laboratories, Mayo Clinic); PubMed 33816482 (cited by Mayo Clinic Laboratories, Mayo Clinic).

NM_001367624.2(ZNF469):c.946G>A (p.Glu316Lys)

Gene: ZNF469 (zinc finger protein 469; plus strand). Cytogenetic location: 16q24.2.
Variant type: single nucleotide variant.
Coding change: c.946G>A on transcript NM_001367624.2 (MANE Select); coding-DNA position 946, G replaced by A.
Protein change: p.Glu316Lys; replaces glutamic acid 316 with lysine.
Molecular consequence: missense variant.
Genome position (GRCh38, 1-based): chr16:88,428,416, G>A. VCF-style: chr16-88428416-G-A. GRCh37 (hg19) VCF-style: chr16-88494824-G-A.
Other names: NM_001127464.1:c.946G>A; NM_001127464.2:c.946G>A; p.Glu316Lys; short protein forms E316K.
Identifiers: ClinVar variation 283545 (VCV000283545.20), dbSNP rs368772806, ClinGen allele CA8224642.